The following is an entry in ClinVar:

ClinVar aggregate classification (germline): Likely pathogenic. Review status: criteria provided, multiple submitters, no conflicts (2 of 4 stars). 2 submissions from 2 submitters: Likely pathogenic (2). Last evaluated 2024-02-22.

Conditions:
Benign recurrent intrahepatic cholestasis type 2 (BRIC2). Also called: Recurrent familial intrahepatic cholestasis 2. Identifiers: Orphanet 65682, Orphanet 99961, MedGen C2608083, MONDO:0011559, OMIM 605479.

Submissions (2):

Baylor Genetics
Classification: Likely pathogenic for Benign recurrent intrahepatic cholestasis type 2. Last evaluated: 2024-02-22. Review status: criteria provided, single submitter. Criteria: ACMG Guidelines, 2015. Collection method: clinical testing. Allele origin: unknown.

Labcorp Genetics (formerly Invitae), Labcorp
Classification: Likely pathogenic. Last evaluated: 2022-08-31. Review status: criteria provided, single submitter. Criteria: Invitae Variant Classification Sherloc (09022015). Collection method: clinical testing. Allele origin: germline.
Comment: In summary, the currently available evidence indicates that the variant is pathogenic, but additional data are needed to prove that conclusively. Therefore, this variant has been classified as Likely Pathogenic. Algorithms developed to predict the effect of sequence changes on RNA splicing suggest that this variant may disrupt the consensus splice site. This variant has not been reported in the literature in individuals affected with ABCB11-related conditions. This variant is not present in population databases (gnomAD no frequency). This sequence change affects a donor splice site in intron 6 of the ABCB11 gene. It is expected to disrupt RNA splicing. Variants that disrupt the donor or acceptor splice site typically lead to a loss of protein function (PMID: 16199547), and loss-of-function variants in ABCB11 are known to be pathogenic (PMID: 18395098, 20232290).

Literature cited by the submitters: PubMed 16199547 (cited by Labcorp Genetics (formerly Invitae), Labcorp); PubMed 18395098 (cited by Labcorp Genetics (formerly Invitae), Labcorp); PubMed 20232290 (cited by Labcorp Genetics (formerly Invitae), Labcorp).

NM_003742.4(ABCB11):c.477+1G>A

Gene: ABCB11 (ATP binding cassette subfamily B member 11; minus strand). Cytogenetic location: 2q31.1.
Variant type: single nucleotide variant.
Coding change: c.477+1G>A on transcript NM_003742.4 (MANE Select); the canonical splice donor site of the intron after coding-DNA position 477, G replaced by A.
Molecular consequence: splice donor variant.
Genome position (GRCh38, 1-based): chr2:168,996,634, C>T on the plus strand (G>A on the coding strand, the complement: ABCB11 is on the minus strand). VCF-style: chr2-168996634-C-T. GRCh37 (hg19) VCF-style: chr2-169853144-C-T.
Identifiers: ClinVar variation 2028126 (VCV002028126.5), dbSNP rs1247734675, ClinGen allele CA349132493.